The following is an entry in ClinVar:

ClinVar aggregate classification (germline): Uncertain significance. Review status: criteria provided, multiple submitters, no conflicts (2 of 4 stars). 3 submissions from 3 submitters: Uncertain significance (2). 1 of the submissions does not count toward it. Last evaluated 2026-02-14.

Conditions:
Nemaline myopathy 2 (NEM2). Also called: Nemaline myopathy 2, autosomal recessive. Identifiers: MedGen C1850569, MONDO:0009725, OMIM 256030.

Allele frequency attached by ClinVar (database versions not stated): ExAC 0.00001; gnomAD exomes 0.00001 and 0.00003; gnomAD 0.00004; TOPMed 0.00004.
gnomAD v4.1: 51 of 1,607,288 alleles (0.0032%); highest among the groups gnomAD compares: Non-Finnish European, 0.0043%; no homozygotes.

Submissions (3):

Women's Health and Genetics/Laboratory Corporation of America, LabCorp
Classification: Uncertain significance. Last evaluated: 2026-02-14. Review status: criteria provided, single submitter. Criteria: LabCorp Variant Classification Summary - May 2015. Collection method: clinical testing. Allele origin: germline.

Labcorp Genetics (formerly Invitae), Labcorp
Classification: Uncertain significance for Nemaline myopathy 2. Last evaluated: 2020-10-12. Review status: criteria provided, single submitter. Criteria: Invitae Variant Classification Sherloc (09022015). Collection method: clinical testing. Allele origin: germline.
Comment: This sequence change falls in intron 162 of the NEB gene. It does not directly change the encoded amino acid sequence of the NEB protein, but it affects a nucleotide within the consensus splice site of the intron. This variant is present in population databases (rs778663301, ExAC 0.002%). This variant has not been reported in the literature in individuals with NEB-related conditions. Nucleotide substitutions within the consensus splice site are a relatively common cause of aberrant splicing (PMID: 17576681, 9536098). Algorithms developed to predict the effect of sequence changes on RNA splicing suggest that this variant is not likely to affect RNA splicing, but this prediction has not been confirmed by published transcriptional studies. In summary, the available evidence is currently insufficient to determine the role of this variant in disease. Therefore, it has been classified as a Variant of Uncertain Significance.

Natera, Inc.
Classification: Uncertain significance for Nemaline myopathy type 2. Last evaluated: 2020-01-17. Review status: no assertion criteria provided. Collection method: clinical testing. Allele origin: germline. Not counted in ClinVar's aggregate classification.

Literature cited by the submitters: PubMed 17576681 (cited by Labcorp Genetics (formerly Invitae), Labcorp); PubMed 9536098 (cited by Labcorp Genetics (formerly Invitae), Labcorp).

NM_001164508.2(NEB):c.23346+5G>A

Genes: NEB (nebulin; minus strand), RIF1 (replication timing regulatory factor 1; plus strand). Cytogenetic location: 2q23.3.
Variant type: single nucleotide variant.
Coding change: c.23346+5G>A on transcript NM_001164508.2 (MANE Select); 5 bases into the intron after coding-DNA position 23346, G replaced by A.
Molecular consequence: intron variant.
Genome position (GRCh38, 1-based): chr2:151,512,728, C>T on the plus strand (G>A on the coding strand, the complement: NEB is on the minus strand). VCF-style: chr2-151512728-C-T. GRCh37 (hg19) VCF-style: chr2-152369242-C-T.
Other names: c.18243+5G>A (NM_004543.5); c.23346+5G>A (NM_001164507.2); c.23451+5G>A (NM_001271208.2).
Identifiers: ClinVar variation 840280 (VCV000840280.7), dbSNP rs778663301, ClinGen allele CA1906387.